The following is an entry in ClinVar:

ClinVar aggregate classification (germline): Benign/Likely benign. Review status: criteria provided, multiple submitters, no conflicts (2 of 4 stars). 5 submissions from 5 submitters: Benign (3); Likely benign (2). Last evaluated 2026-02-01.

Conditions:
Alagille syndrome due to a NOTCH2 point mutation. Also called: Alagille syndrome 2. Identifiers: Orphanet 261629, Orphanet 52, MedGen C1857761, MONDO:0012439, OMIM 610205.
Hajdu-Cheney syndrome (HJCYS). Also called: ACROOSTEOLYSIS WITH OSTEOPOROSIS AND CHANGES IN SKULL AND MANDIBLE; Acroosteolysis dominant type; SERPENTINE FIBULA-POLYCYSTIC KIDNEY SYNDROME. Identifiers: Orphanet 955, MedGen C0917715, MONDO:0007057, OMIM 102500.

Allele frequency attached by ClinVar (database versions not stated): gnomAD exomes 0.00070 and 0.00089; ExAC 0.00103; 1000 Genomes Project 0.00200; 1000 Genomes Project 30x 0.00250; ESP Exome Variant Server 0.00269; gnomAD 0.00278 and 0.00306; TOPMed 0.00319.
gnomAD v4.1: 1,423 of 1,584,826 alleles (0.09%); highest among the groups gnomAD compares: African/African-American, 0.72%; 5 homozygotes.

Submissions (5):

Labcorp Genetics (formerly Invitae), Labcorp
Classification: Benign for Hajdu-Cheney syndrome. Last evaluated: 2026-02-01. Review status: criteria provided, single submitter. Criteria: Invitae Variant Classification Sherloc (09022015). Collection method: clinical testing. Allele origin: germline.

Mayo Clinic Laboratories, Mayo Clinic
Classification: Benign. Last evaluated: 2024-12-16. Review status: criteria provided, single submitter. Criteria: ACMG Guidelines, 2015. Collection method: clinical testing. Allele origin: germline. Observed: 1 variant allele.
Comment: BA1, BS2, BP4, BP7

Blueprint Genetics
Classification: Likely benign. Last evaluated: 2024-11-12. Review status: criteria provided, single submitter. Criteria: ACMG Guidelines, 2015. Collection method: clinical testing. Allele origin: germline.

Fulgent Genetics
Classification: Likely benign for Hajdu-Cheney syndrome; Alagille syndrome due to a NOTCH2 point mutation. Last evaluated: 2021-07-29. Review status: criteria provided, single submitter. Criteria: ACMG Guidelines, 2015. Collection method: clinical testing. Allele origin: unknown.

GeneDx
Classification: Benign. Last evaluated: 2020-05-18. Review status: criteria provided, single submitter. Criteria: GeneDx Variant Classification Process June 2021. Collection method: clinical testing. Allele origin: germline. Affected: yes.

NM_024408.4(NOTCH2):c.1567+12C>T

Gene: NOTCH2 (notch receptor 2; minus strand). Cytogenetic location: 1p12.
Variant type: single nucleotide variant.
Coding change: c.1567+12C>T on transcript NM_024408.4 (MANE Select); 12 bases into the intron after coding-DNA position 1567, C replaced by T.
Molecular consequence: intron variant.
Genome position (GRCh38, 1-based): chr1:119,966,364, G>A on the plus strand (C>T on the coding strand, the complement: NOTCH2 is on the minus strand). VCF-style: chr1-119966364-G-A. GRCh37 (hg19) VCF-style: chr1-120508987-G-A.
Other names: p.?; c.1567+12C>T (NM_001200001.2).
Identifiers: ClinVar variation 1232150 (VCV001232150.14), dbSNP rs78223268, ClinGen allele CA1040522.